The following is an entry in ClinVar:

NM_015450.3(POT1):c.713T>G (p.Phe238Cys)

Gene: POT1 (protection of telomeres 1; minus strand). Cytogenetic location: 7q31.33.
Variant type: single nucleotide variant.
Coding change: c.713T>G on transcript NM_015450.3 (MANE Select); coding-DNA position 713, T replaced by G.
Protein change: p.Phe238Cys; replaces phenylalanine 238 with cysteine.
Molecular consequence: missense variant. On other transcripts: non-coding transcript variant (3).
Genome position (GRCh38, 1-based): chr7:124,853,128, A>C on the plus strand (T>G on the coding strand, the complement: POT1 is on the minus strand). VCF-style: chr7-124853128-A-C. GRCh37 (hg19) VCF-style: chr7-124493182-A-C.
Other names: c.320T>G, p.Phe107Cys (NM_001042594.2); short protein forms F238C, F107C.
Identifiers: ClinVar variation 3936298 (VCV003936298.1).
Genomic context (GRCh38, chr7:124,853,128, plus strand): 5'-ATTGTCTGATTCTCTGAATTCATTGATTGAAGTTTGGTATGAAGGCTATAGATTCTAAGA[A>C]AGCTTCCAACCTAAAAAATAGATCATTTGTTATTTAGAAAGTGGGGAAAAATTAAAATAC-3'
Protein context (NP_056265.2, residues 228-248): HVARSLKVGS[Phe238Cys]LRIYSLHTKL

ClinVar aggregate classification (germline): Uncertain significance (1 of 4 stars; one submission).

Conditions:
Hereditary cancer-predisposing syndrome. Also called: Tumor predisposition; Hereditary neoplastic syndrome; Hereditary Cancer Syndrome; Neoplastic Syndromes, Hereditary. Identifiers: Orphanet 140162, MedGen C0027672, MeSH D009386, MONDO:0015356.

Submission:

Ambry Genetics
Classification: Uncertain significance for Hereditary cancer-predisposing syndrome. Last evaluated: 2025-05-16. Review status: criteria provided, single submitter. Criteria: Ambry Variant Classification Scheme 2023. Collection method: clinical testing. Allele origin: germline.
Comment: The p.F238C variant (also known as c.713T>G), located in coding exon 6 of the POT1 gene, results from a T to G substitution at nucleotide position 713. The phenylalanine at codon 238 is replaced by cysteine, an amino acid with highly dissimilar properties. This amino acid position is conserved. In addition, the in silico prediction for this alteration is inconclusive. Based on the available evidence, the clinical significance of this variant remains unclear.